The following continues an entry in ClinVar:

NM_000051.4(ATM):c.6315G>C (p.Arg2105Ser)

ClinVar aggregate classification (germline): Conflicting classifications of pathogenicity. Uncertain significance (14); Benign (1); Likely benign (1).

Submissions 13 to 17 of 17:

Sema4
Classification: Uncertain significance for Hereditary cancer-predisposing syndrome. Last evaluated: 2021-09-24. Review status: criteria provided, single submitter. Criteria: Sema4 Curation Guidelines. Collection method: curation. Allele origin: germline.
Comment: The ATM c.6315G>C (p.R2105S) variant has been reported in heterozygosity in individuals with breast cancer or a Lynch-syndrome associated cancer (PMID: 33280026, 25186627, 25980754). It has also been reported in heterozygosity in an individual with ocular telangiectasia (PMID: 12882767). This variant was observed in 14/10068 chromosomes in the Ashkenazi Jewish population, with no homozygotes, according to the Genome Aggregation Database (PMID: 32461654). The variant has been reported in ClinVar (Variation ID: 135767). In silico tools suggest the impact of the variant on protein function is deleterious, though these predictions have not been confirmed by functional studies. The evidence is insufficient to meet ACMG/AMP criteria for classifying the variant as benign or pathogenic. Thus, the clinical significance of this variant is currently uncertain.

Genetic Services Laboratory, University of Chicago
Classification: Uncertain significance. Last evaluated: 2020-11-23. Review status: criteria provided, single submitter. Criteria: ACMG Guidelines, 2015. Collection method: clinical testing. Allele origin: germline. Affected: no.
Comment: DNA sequence analysis of the ATM gene demonstrated a sequence change, c.6315G>C, in exon 43 that results in an amino acid change, p.Arg2105Ser. This sequence change has been described in the gnomAD database with a frequency of 0.14% in the Ashkenazi Jewish sub-population (dbSNP rs587780632). The p.Arg2105Ser change has been previously reported in an individual with idiopathic ocular telangiectasia (PMID: 12882767). Additionally, a different sequence change at the same location, p.Arg2105Thr, has been reported in an individual with breast cancer (PMID: 18384426). The p.Arg2105Ser change affects a highly conserved amino acid residue located in a domain of the ATM protein that is known to be functional. The p.Arg2105Ser substitution appears to be deleterious using several in-silico pathogenicity prediction tools (SIFT, PolyPhen2, Align GVGD, REVEL). Due to these contrasting evidences and the lack of functional studies, the clinical significance of the p.Arg2105Ser change remains unknown at this time.

Spanish ATM Cancer Susceptibility Variant Interpretation Working Group
Classification: Uncertain significance for Hereditary cancer-predisposing syndrome. Last evaluated: 2020-06-17. Review status: criteria provided, single submitter. Criteria: Feliubadaló L et al. (Clin Chem 2021). Collection method: clinical testing. Allele origin: germline. Affected: yes. Observed: 1 heterozygote.
Comment: The c.6315G>C (p.Arg2105Ser) variant has an allele frequency of 0.00011 (0.01%, 26/236,754 alleles) in the gnomAD v2.1.1 non-cancer dataset, with a maximal frequency of 0.00032 (0.03%, 11/34,260 alleles) in the Latino / Admixed American subpopulation (no population frequency criterion met). This missense variant is not predicted to lead to a splicing alteration as per SPiCE predictor and no splicing site is created/activated according to at least 3 splicing predictors of the set SpliceSiteFinderlike - MaxEntScan - NNSplice – GeneSplicer, but it alters the protein function / structure on the in-silico prediction reports of REVEL and PROVEAN (PP3). There is no other supporting data that meet criteria for consideration. Therefore, the clinical significance of this variant is uncertain. Adapted ACMG/AMP rules applied as defined by the Spanish ATM working group: PP3 (PMID: 33280026).

Mendelics
Classification: Uncertain significance for Ataxia-telangiectasia syndrome. Last evaluated: 2019-05-28. Review status: criteria provided, single submitter. Criteria: Mendelics Assertion Criteria 2017. Collection method: clinical testing. Allele origin: unknown.

Department of Pathology and Laboratory Medicine, Sinai Health System
Classification: Uncertain significance for Malignant tumor of breast. Review status: no assertion criteria provided. Collection method: clinical testing. Allele origin: unknown. Affected: yes. Study: The Canadian Open Genetics Repository (COGR). Not counted in ClinVar's aggregate classification.
Comment: The ATM p.Arg2105Ser variant was identified in 2 of 2580 proband chromosomes (frequency: 0.00078) from individuals or families with Lynch syndrome and ocular telangiectasia and was not identified in 156 control chromosomes from healthy individuals (Mauget-Faysse 2003, Yurgelun 2015). The variant was also identified in the following databases: dbSNP (ID: rs587780632) as â€šÃ„ÃºWith Uncertain significance alleleâ€šÃ„Ã¹, ClinVar (as uncertain significance by Invitae, Ambry Genetics, GeneDx, and Color Genomics), and Clinvitae (3x as uncertain significance). The variant was not identified in Cosmic, MutDB, and LOVD 3.0 databases. The variant was identified in control databases in 24 of 246108 chromosomes at a frequency of 0.000098 (Genome Aggregation Database Feb 27, 2017). It was observed in the following populations: â€šÃ„ÃºOtherâ€šÃ„Ã¹ in 2 of 5480 chromosomes (freq: 0.000365), Latino in 11 of 33580 chromosomes (freq: 0.000328), and Ashkenazi Jewish in 11 of 9842 chromosomes (freq: 0.001118); the variant was not observed in the African, European (Non-Finnish), East Asian, European (Finnish), and South Asian populations. The p.Arg2105Ser residue is conserved across mammals and other organisms, and computational analyses (PolyPhen-2, SIFT, AlignGVGD, BLOSUM, MutationTaster) suggest that the variant may impact the protein; however, this information is not predictive enough to assume pathogenicity. The variant occurs outside of the splicing consensus sequence and in silico or computational prediction software programs (SpliceSiteFinder, MaxEntScan, NNSPLICE, GeneSplicer, HumanSpliceFinder) do not predict a difference in splicing. In summary, based on the above information the clinical significance of this variant cannot be determined with certainty at this time. This variant is classified as a variant of uncertain significance.

Literature cited by the submitters: PubMed 12882767 (cited by 4 submitters); PubMed 25186627 (cited by 4 submitters); PubMed 25980754 (cited by 4 submitters); PubMed 33471991 (cited by Color Diagnostics, LLC DBA Color Health and Athena Diagnostics); PubMed 31206626 (cited by Women's Health and Genetics/Laboratory Corporation of America, LabCorp and Athena Diagnostics); PubMed 33280026 (cited by 3 submitters); PubMed 33436325 (cited by Women's Health and Genetics/Laboratory Corporation of America, LabCorp and Athena Diagnostics); PubMed 33939675 (cited by Women's Health and Genetics/Laboratory Corporation of America, LabCorp and Athena Diagnostics); PubMed 36315919 (cited by Women's Health and Genetics/Laboratory Corporation of America, LabCorp and Athena Diagnostics).